The following is an entry in ClinVar:

NM_001382567.1(STIM1):c.408G>C (p.Glu136Asp)

Gene: STIM1 (stromal interaction molecule 1; plus strand). Cytogenetic location: 11p15.4.
Variant type: single nucleotide variant.
Coding change: c.408G>C on transcript NM_001382567.1 (MANE Select); coding-DNA position 408, G replaced by C.
Protein change: p.Glu136Asp; replaces glutamic acid 136 with aspartic acid.
Molecular consequence: missense variant. On other transcripts: 5 prime UTR variant (2), non-coding transcript variant (3), intron variant (2).
Genome position (GRCh38, 1-based): chr11:4,055,548, G>C. VCF-style: chr11-4055548-G-C. GRCh37 (hg19) VCF-style: chr11-4076778-G-C.
Other names: c.408G>C, p.Glu136Asp (NM_001277961.3, NM_001277962.2, NM_001382568.1 and 2 more transcripts); c.186G>C, p.Glu62Asp (NM_001382566.1, NM_001382573.1, NM_001382574.1 and 5 more transcripts); c.273G>C, p.Glu91Asp (NM_001382569.1); c.-82G>C (NM_001382580.1, NM_001382581.1); c.386-14478G>C (NM_001382570.1); c.18-3733G>C (NM_001382571.1); short protein forms E136D, E62D, E91D.
Identifiers: ClinVar variation 705955 (VCV000705955.16), dbSNP rs200648767, ClinGen allele CA5830217.
Genomic context (GRCh38, chr11:4,055,548, plus strand): 5'-CATTCTAGAGTCATGGCTTTGCTTGTCTCTTTTCACAGTATACAATTGGACCGTGGATGA[G>C]GTGGTACAGTGGCTGATCACATATGTGGAGCTGCCTCAGTATGAGGAGACCTTCCGGAAG-3'
Protein context (NP_001369496.1, residues 126-146): SSEVYNWTVD[Glu136Asp]VVQWLITYVE

ClinVar aggregate classification (germline): Conflicting classifications of pathogenicity. Review status: criteria provided, conflicting classifications (1 of 4 stars). 6 submissions from 6 submitters: Uncertain significance (3); Likely benign (2). 1 of the submissions does not count toward it. Last evaluated 2026-01-25.

Conditions:
Stormorken syndrome (STRMK). Also called: THROMBOCYTOPATHY, ASPLENIA, AND MIOSIS. Identifiers: Orphanet 3204, MedGen C1861451, MONDO:0008497, OMIM 185070.
Myopathy with tubular aggregates (TAM). Also called: Tubular Aggregate Myopathy. Identifiers: Orphanet 2593, MedGen C0410207, MONDO:0008051.
Combined immunodeficiency due to STIM1 deficiency. Also called: IMMUNODEFICIENCY 10; STIM1 DEFICIENCY. Identifiers: Orphanet 169090, Orphanet 317430, MedGen C2748557, MONDO:0013008, OMIM 612783.
Inborn genetic diseases. Identifiers: MedGen C0950123, MeSH D030342.

Allele frequency attached by ClinVar (database versions not stated): ESP Exome Variant Server 0.00008; gnomAD 0.00009; TOPMed 0.00011; 1000 Genomes Project 30x 0.00031; 1000 Genomes Project 0.00040.
gnomAD v4.1: 163 of 1,600,730 alleles (0.01%); highest among the groups gnomAD compares: East Asian, 0.009%; 1 homozygote.

Submissions (6):

Labcorp Genetics (formerly Invitae), Labcorp
Classification: Likely benign for Myopathy with tubular aggregates; Combined immunodeficiency due to STIM1 deficiency; Stormorken syndrome. Last evaluated: 2026-01-25. Review status: criteria provided, single submitter. Criteria: Invitae Variant Classification Sherloc (09022015). Collection method: clinical testing. Allele origin: germline.

GeneDx
Classification: Uncertain significance. Last evaluated: 2026-01-22. Review status: criteria provided, single submitter. Criteria: GeneDx Variant Classification Process June 2021. Collection method: clinical testing. Allele origin: germline.
Comment: In silico analysis suggests that this missense variant does not alter protein structure/function; Has not been previously published as pathogenic or benign to our knowledge; This variant is associated with the following publications: (PMID: 39456133)

Women's Health and Genetics/Laboratory Corporation of America, LabCorp
Classification: Uncertain significance. Last evaluated: 2023-06-28. Review status: criteria provided, single submitter. Criteria: LabCorp Variant Classification Summary - May 2015. Collection method: clinical testing. Allele origin: germline.
Comment: Variant summary: STIM1 c.408G>C (p.Glu136Asp) results in a conservative amino acid change located in the Sterile alpha motif domain (IPR001660) of the encoded protein sequence. Four of five in-silico tools predict a benign effect of the variant on protein function. The variant allele was found at a frequency of 0.00018 in 231332 control chromosomes (gnomAD). To our knowledge, no occurrence of c.408G>C in individuals affected with STIM1-Related Disorders and no experimental evidence demonstrating its impact on protein function have been reported. Two ClinVar submitters have assessed the variant since 2014: one classified the variant as likely benign, and one as uncertain significance. Based on the evidence outlined above, the variant was classified as uncertain significance.

Ambry Genetics
Classification: Uncertain significance for Inborn genetic diseases. Last evaluated: 2022-12-19. Review status: criteria provided, single submitter. Criteria: Ambry Variant Classification Scheme 2023. Collection method: clinical testing. Allele origin: germline.

Breakthrough Genomics
Classification: Likely benign. Review status: criteria provided, single submitter. Criteria: ACMG Guidelines, 2015. Collection method: not provided. Allele origin: germline. Inheritance: Autosomal recessive inheritance. Affected: yes.

Department of Pathology and Laboratory Medicine, Sinai Health System
Classification: Uncertain significance. Review status: no assertion criteria provided. Collection method: clinical testing. Allele origin: unknown. Affected: yes. Study: The Canadian Open Genetics Repository (COGR). Not counted in ClinVar's aggregate classification.
Comment: The STIM1 p.Glu136Asp variant was not identified in the literature but was identified in dbSNP (ID: rs200648767) and ClinVar (classified as likely benign by Invitae). The variant was identified in control databases in 41 of 231332 chromosomes at a frequency of 0.0001772 (Genome Aggregation Database March 6, 2019, v2.1.1). The variant was observed in the following populations: Ashkenazi Jewish in 33 of 9694 chromosomes (freq: 0.003404), Other in 1 of 5734 chromosomes (freq: 0.000174), African in 1 of 14532 chromosomes (freq: 0.000069), East Asian in 1 of 17434 chromosomes (freq: 0.000057) and European (non-Finnish) in 5 of 104224 chromosomes (freq: 0.000048), but was not observed in the Latino, European (Finnish), or South Asian populations. The p.Glu136 residue is not conserved in mammals and four out of five computational analyses (PolyPhen-2, SIFT, AlignGVGD, BLOSUM, MutationTaster) do not suggest a high likelihood of impact to the protein; however, this information is not predictive enough to rule out pathogenicity. The variant occurs outside of the splicing consensus sequence and in silico or computational prediction software programs (SpliceSiteFinder, MaxEntScan, NNSPLICE, GeneSplicer) do not predict a difference in splicing. In summary, based on the above information the clinical significance of this variant cannot be determined with certainty at this time. This variant is classified as a variant of uncertain significance.